The following is an entry in ClinVar:

NM_001166108.2(PALLD):c.2428C>T (p.Pro810Ser)

Genes: CBR4 (carbonyl reductase 4; minus strand), PALLD (palladin, cytoskeletal associated protein; plus strand). Cytogenetic location: 4q32.3.
Variant type: single nucleotide variant.
Coding change: c.2428C>T on transcript NM_001166108.2 (MANE Select); coding-DNA position 2428, C replaced by T.
Protein change: p.Pro810Ser; replaces proline 810 with serine.
Molecular consequence: missense variant.
Genome position (GRCh38, 1-based): chr4:168,898,670, C>T. VCF-style: chr4-168898670-C-T. GRCh37 (hg19) VCF-style: chr4-169819821-C-T.
Other names: c.916C>T (NM_001166110.1); c.1231C>T, p.Pro411Ser (NM_001166109.2); c.916C>T, p.Pro306Ser (NM_001166110.2); c.256C>T, p.Pro86Ser (NM_001367567.1, NM_001367569.1); c.307C>T, p.Pro103Ser (NM_001367568.1, NM_001367570.1); c.2377C>T, p.Pro793Ser (NM_016081.4); short protein forms P793S, P411S, P810S, P86S, P103S, P306S.
Identifiers: ClinVar variation 2807372 (VCV002807372.4), dbSNP rs1755797976, ClinGen allele CA358799120.

ClinVar aggregate classification (germline): Uncertain significance. Review status: criteria provided, multiple submitters, no conflicts (2 of 4 stars). 2 submissions from 2 submitters: Uncertain significance (2). Last evaluated 2024-10-15.

Conditions:
Pancreatic adenocarcinoma. Identifiers: MedGen C0281361, MONDO:0006047, HP:0006725.

Allele frequency attached by ClinVar (database versions not stated): gnomAD exomes below 0.00001; gnomAD 0.00001.
gnomAD v4.1: 3 of 1,613,828 alleles (0.00019%); highest among the groups gnomAD compares: Non-Finnish European, 0.00017%; no homozygotes.

Submissions (2):

Ambry Genetics
Classification: Uncertain significance. Last evaluated: 2024-10-15. Review status: criteria provided, single submitter. Criteria: Ambry Variant Classification Scheme 2023. Collection method: clinical testing. Allele origin: germline.
Comment: The p.P306S variant (also known as c.916C>T), located in coding exon 4 of the PALLD gene, results from a C to T substitution at nucleotide position 916. The proline at codon 306 is replaced by serine, an amino acid with similar properties. This amino acid position is conserved. In addition, the in silico prediction for this alteration is inconclusive. Based on the available evidence, the clinical significance of this variant remains unclear.

Labcorp Genetics (formerly Invitae), Labcorp
Classification: Uncertain significance for Pancreatic adenocarcinoma. Last evaluated: 2023-03-26. Review status: criteria provided, single submitter. Criteria: Invitae Variant Classification Sherloc (09022015). Collection method: clinical testing. Allele origin: germline.
Comment: This sequence change replaces proline, which is neutral and non-polar, with serine, which is neutral and polar, at codon 306 of the PALLD protein (p.Pro306Ser). This variant is not present in population databases (gnomAD no frequency). This variant has not been reported in the literature in individuals affected with PALLD-related conditions. An algorithm developed to predict the effect of missense changes on protein structure and function (PolyPhen-2) suggests that this variant is likely to be tolerated. In summary, the available evidence is currently insufficient to determine the role of this variant in disease. Therefore, it has been classified as a Variant of Uncertain Significance.